The following is an entry in ClinVar:

NM_001486.4(GCKR):c.17G>A (p.Arg6Gln)

Gene: GCKR (glucokinase regulator; plus strand). Cytogenetic location: 2p23.3.
Variant type: single nucleotide variant.
Coding change: c.17G>A on transcript NM_001486.4 (MANE Select); coding-DNA position 17, G replaced by A.
Protein change: p.Arg6Gln; replaces arginine 6 with glutamine.
Molecular consequence: missense variant.
Genome position (GRCh38, 1-based): chr2:27,496,921, G>A. VCF-style: chr2-27496921-G-A. GRCh37 (hg19) VCF-style: chr2-27719788-G-A.
Other names: short protein forms R6Q.
Identifiers: ClinVar variation 2227103 (VCV002227103.4), dbSNP rs763613477, ClinGen allele CA1581392.

ClinVar aggregate classification (germline): Uncertain significance. Review status: criteria provided, multiple submitters, no conflicts (2 of 4 stars). 2 submissions from 2 submitters: Uncertain significance (2). Last evaluated 2025-11-12.

gnomAD v4.1: 78 of 1,613,796 alleles (0.0048%); highest among the groups gnomAD compares: Non-Finnish European, 0.0058%; no homozygotes.

Submissions (2):

Labcorp Genetics (formerly Invitae), Labcorp
Classification: Uncertain significance. Last evaluated: 2025-11-12. Review status: criteria provided, single submitter. Criteria: Invitae Variant Classification Sherloc (09022015). Collection method: clinical testing. Allele origin: germline.
Comment: This sequence change replaces arginine, which is basic and polar, with glutamine, which is neutral and polar, at codon 6 of the GCKR protein (p.Arg6Gln). This variant is present in population databases (rs763613477, gnomAD 0.01%). This variant has not been reported in the literature in individuals affected with GCKR-related conditions. ClinVar contains an entry for this variant (Variation ID: 2227103). An algorithm developed to predict the effect of missense changes on protein structure and function outputs the following: PolyPhen-2: "Benign". The glutamine amino acid residue is found in multiple mammalian species, which suggests that this missense change does not adversely affect protein function. In summary, the available evidence is currently insufficient to determine the role of this variant in disease. Therefore, it has been classified as a Variant of Uncertain Significance.

Ambry Genetics
Classification: Uncertain significance. Last evaluated: 2025-08-21. Review status: criteria provided, single submitter. Criteria: Ambry Variant Classification Scheme 2023. Collection method: clinical testing. Allele origin: germline.